The following is an entry in ClinVar:

ClinVar aggregate classification (germline): Uncertain significance (1 of 4 stars; one submission).

Conditions:
Catecholaminergic polymorphic ventricular tachycardia 1. Also called: VENTRICULAR TACHYCARDIA, CATECHOLAMINERGIC POLYMORPHIC, 1, WITH OR WITHOUT ATRIAL DYSFUNCTION AND/OR DILATED CARDIOMYOPATHY; RYR2-Related Catecholaminergic Polymorphic Ventricular Tachycardia; VENTRICULAR TACHYCARDIA, STRESS-INDUCED POLYMORPHIC 1. Identifiers: Orphanet 3286, MedGen C1631597, MONDO:0011484, OMIM 604772.

Submission:

Labcorp Genetics (formerly Invitae), Labcorp
Classification: Uncertain significance for Catecholaminergic polymorphic ventricular tachycardia 1. Last evaluated: 2023-05-29. Review status: criteria provided, single submitter. Criteria: Invitae Variant Classification Sherloc (09022015). Collection method: clinical testing. Allele origin: germline.
Comment: In summary, the available evidence is currently insufficient to determine the role of this variant in disease. Therefore, it has been classified as a Variant of Uncertain Significance. Advanced modeling of protein sequence and biophysical properties (such as structural, functional, and spatial information, amino acid conservation, physicochemical variation, residue mobility, and thermodynamic stability) performed at Invitae indicates that this missense variant is not expected to disrupt TRDN protein function. ClinVar contains an entry for this variant (Variation ID: 1441578). This variant has not been reported in the literature in individuals affected with TRDN-related conditions. This variant is not present in population databases (gnomAD no frequency). This sequence change replaces isoleucine, which is neutral and non-polar, with asparagine, which is neutral and polar, at codon 190 of the TRDN protein (p.Ile190Asn).

NM_006073.4(TRDN):c.569T>A (p.Ile190Asn)

Gene: TRDN (triadin; minus strand). Cytogenetic location: 6q22.31.
Variant type: single nucleotide variant.
Coding change: c.569T>A on transcript NM_006073.4 (MANE Select); coding-DNA position 569, T replaced by A.
Protein change: p.Ile190Asn; replaces isoleucine 190 with asparagine.
Molecular consequence: missense variant.
Genome position (GRCh38, 1-based): chr6:123,512,344, A>T on the plus strand (T>A on the coding strand, the complement: TRDN is on the minus strand). VCF-style: chr6-123512344-A-T. GRCh37 (hg19) VCF-style: chr6-123833489-A-T.
Other names: c.569T>A, p.Ile190Asn (NM_001251987.2, NM_001256020.2, NM_001256021.2); short protein forms I190N.
Identifiers: ClinVar variation 1441578 (VCV001441578.9), dbSNP rs1205195262, ClinGen allele CA365568109.